The following is an entry in ClinVar:

ClinVar aggregate classification (germline): Uncertain significance (1 of 4 stars; one submission).

Submission:

Labcorp Genetics (formerly Invitae), Labcorp
Classification: Uncertain significance. Last evaluated: 2022-09-07. Review status: criteria provided, single submitter. Criteria: Invitae Variant Classification Sherloc (09022015). Collection method: clinical testing. Allele origin: germline.
Comment: This variant, c.155_157del, results in the deletion of 1 amino acid(s) of the SPARC protein (p.Val52del), but otherwise preserves the integrity of the reading frame. This variant is present in population databases (rs762230251, gnomAD 0.004%). This variant has not been reported in the literature in individuals affected with SPARC-related conditions. ClinVar contains an entry for this variant (Variation ID: 1415982). Experimental studies and prediction algorithms are not available or were not evaluated, and the functional significance of this variant is currently unknown. In summary, the available evidence is currently insufficient to determine the role of this variant in disease. Therefore, it has been classified as a Variant of Uncertain Significance.

NM_003118.4(SPARC):c.155_157del (p.Val52del)

Gene: SPARC (secreted protein acidic and cysteine rich; minus strand). Cytogenetic location: 5q33.1.
Variant type: Deletion.
Coding change: c.155_157del on transcript NM_003118.4 (MANE Select); coding-DNA positions 155 to 157, 3 bases deleted (TAG; older notation c.155_157delTAG).
Protein change: p.Val52del; deletes valine 52.
Molecular consequence: inframe deletion.
Genome position (GRCh38, 1-based): chr5:151,673,180-151,673,182, CTA deleted on the plus strand (TAG on the coding strand, the reverse complement: SPARC is on the minus strand); deleting any 3 consecutive bases within chr5:151,673,180-151,673,184 gives the same sequence; the c. name uses the placement nearest the transcript's 3' end. VCF-style (leftmost placement, unchanged base first): chr5-151673179-CCTA-C. GRCh37 (hg19) VCF-style: chr5-151052740-CCTA-C.
Other names: c.152_154del, p.Val51del (NM_001309443.2); c.155_157del, p.Val52del (NM_001309444.2); short protein forms V51del, V52del.
Identifiers: ClinVar variation 1415982 (VCV001415982.5), dbSNP rs762230251, ClinGen allele CA3522792.